The following is an entry in ClinVar:

NM_000051.4(ATM):c.7721A>C (p.Lys2574Thr)

Genes: ATM (ATM serine/threonine kinase; plus strand), C11orf65 (chromosome 11 open reading frame 65; minus strand). Cytogenetic location: 11q22.3.
Variant type: single nucleotide variant.
Coding change: c.7721A>C on transcript NM_000051.4 (MANE Select); coding-DNA position 7721, A replaced by C.
Protein change: p.Lys2574Thr; replaces lysine 2574 with threonine.
Molecular consequence: missense variant. On other transcripts: intron variant (2).
Genome position (GRCh38, 1-based): chr11:108,331,970, A>C. VCF-style: chr11-108331970-A-C. GRCh37 (hg19) VCF-style: chr11-108202697-A-C.
Other names: c.7721A>C, p.Lys2574Thr (NM_001351834.2); c.641-22899T>G (NM_001330368.2); c.*38+3250T>G (NM_001351110.2); short protein forms K2574T.
Identifiers: ClinVar variation 1760322 (VCV001760322.2), dbSNP rs2136523531, ClinGen allele CA382561082.

ClinVar aggregate classification (germline): Uncertain significance (1 of 4 stars; one submission).

Conditions:
Hereditary cancer-predisposing syndrome. Also called: Hereditary neoplastic syndrome; Neoplastic Syndromes, Hereditary; Tumor predisposition; Hereditary Cancer Syndrome. Identifiers: Orphanet 140162, MedGen C0027672, MeSH D009386, MONDO:0015356.

Submission:

Ambry Genetics
Classification: Uncertain significance for Hereditary cancer-predisposing syndrome. Last evaluated: 2021-03-08. Review status: criteria provided, single submitter. Criteria: Ambry Variant Classification Scheme 2023. Collection method: clinical testing. Allele origin: germline.
Comment: The p.K2574T variant (also known as c.7721A>C), located in coding exon 51 of the ATM gene, results from an A to C substitution at nucleotide position 7721. The lysine at codon 2574 is replaced by threonine, an amino acid with similar properties. This amino acid position is well conserved in available vertebrate species. In addition, the in silico prediction for this alteration is inconclusive. Since supporting evidence is limited at this time, the clinical significance of this alteration remains unclear.